The following is an entry in ClinVar:

NM_206933.4(USH2A):c.12109A>C (p.Thr4037Pro)

Gene: USH2A (usherin; minus strand). Cytogenetic location: 1q41.
Variant type: single nucleotide variant.
Coding change: c.12109A>C on transcript NM_206933.4 (MANE Select); coding-DNA position 12109, A replaced by C.
Protein change: p.Thr4037Pro; replaces threonine 4037 with proline.
Molecular consequence: missense variant.
Genome position (GRCh38, 1-based): chr1:215,680,334, T>G on the plus strand (A>C on the coding strand, the complement: USH2A is on the minus strand). VCF-style: chr1-215680334-T-G. GRCh37 (hg19) VCF-style: chr1-215853676-T-G.
Other names: short protein forms T4037P.
Identifiers: ClinVar variation 1479840 (VCV001479840.8), dbSNP rs778499057, ClinGen allele CA344816660.

ClinVar aggregate classification (germline): Uncertain significance (1 of 4 stars; one submission).

Submission:

Labcorp Genetics (formerly Invitae), Labcorp
Classification: Uncertain significance. Last evaluated: 2022-02-24. Review status: criteria provided, single submitter. Criteria: Invitae Variant Classification Sherloc (09022015). Collection method: clinical testing. Allele origin: germline.
Comment: In summary, the available evidence is currently insufficient to determine the role of this variant in disease. Therefore, it has been classified as a Variant of Uncertain Significance. Algorithms developed to predict the effect of missense changes on protein structure and function (SIFT, PolyPhen-2, Align-GVGD) all suggest that this variant is likely to be disruptive. This variant has not been reported in the literature in individuals affected with USH2A-related conditions. This variant is not present in population databases (gnomAD no frequency). This sequence change replaces threonine, which is neutral and polar, with proline, which is neutral and non-polar, at codon 4037 of the USH2A protein (p.Thr4037Pro).